The following is an entry in ClinVar:

ClinVar aggregate classification (germline): Benign/Likely benign. Review status: criteria provided, multiple submitters, no conflicts (2 of 4 stars). 6 submissions from 6 submitters: Benign (5); Likely benign (1). Last evaluated 2026-03-31.

Conditions:
MOGS-congenital disorder of glycosylation. Also called: CDG 2B; MOGS-CDG; CDG IIb; GLUCOSIDASE I DEFICIENCY. Identifiers: Orphanet 79330, MedGen C1853736, MONDO:0011629, OMIM 606056.

Allele frequency attached by ClinVar (database versions not stated): gnomAD exomes 0.00026 and 0.00073; ExAC 0.00092; gnomAD 0.00306 and 0.00321; 1000 Genomes Project 0.00319; TOPMed 0.00324; ESP Exome Variant Server 0.00344; 1000 Genomes Project 30x 0.00375.
gnomAD v4.1: 874 of 1,614,148 alleles (0.054%); highest among the groups gnomAD compares: African/African-American, 1%; 5 homozygotes.

Submissions (6):

Women's Health and Genetics/Laboratory Corporation of America, LabCorp
Classification: Likely benign. Last evaluated: 2026-03-31. Review status: criteria provided, single submitter. Criteria: LabCorp Variant Classification Summary - May 2015. Collection method: clinical testing. Allele origin: germline.

Labcorp Genetics (formerly Invitae), Labcorp
Classification: Benign for MOGS-congenital disorder of glycosylation. Last evaluated: 2026-01-26. Review status: criteria provided, single submitter. Criteria: Invitae Variant Classification Sherloc (09022015). Collection method: clinical testing. Allele origin: germline.

ARUP Laboratories, Molecular Genetics and Genomics, ARUP Laboratories
Classification: Benign for MOGS-congenital disorder of glycosylation. Last evaluated: 2025-03-13. Review status: criteria provided, single submitter. Criteria: ARUP Molecular Germline Variant Investigation Process 2024. Collection method: clinical testing. Allele origin: germline.

Blueprint Genetics
Classification: Benign. Last evaluated: 2024-11-15. Review status: criteria provided, single submitter. Criteria: ACMG Guidelines, 2015. Collection method: clinical testing. Allele origin: germline.

CeGaT Center for Human Genetics Tuebingen
Classification: Benign. Last evaluated: 2023-09-01. Review status: criteria provided, single submitter. Criteria: CeGaT Center For Human Genetics Tuebingen Variant Classification Criteria Version 2. Collection method: clinical testing. Allele origin: germline. Affected: yes. Observed: 1 variant allele.
Comment: MOGS: BP4, BP7, BS1, BS2

GeneDx
Classification: Benign. Last evaluated: 2017-08-04. Review status: criteria provided, single submitter. Criteria: GeneDx Variant Classification (06012015). Collection method: clinical testing. Allele origin: germline. Affected: yes.
Comment: This variant is considered likely benign or benign based on one or more of the following criteria: it is a conservative change, it occurs at a poorly conserved position in the protein, it is predicted to be benign by multiple in silico algorithms, and/or has population frequency not consistent with disease.

NM_006302.3(MOGS):c.894C>T (p.Leu298=)

Gene: MOGS (mannosyl-oligosaccharide glucosidase; minus strand). Cytogenetic location: 2p13.1.
Variant type: single nucleotide variant.
Coding change: c.894C>T on transcript NM_006302.3 (MANE Select); coding-DNA position 894, C replaced by T.
Protein change: p.Leu298=; no amino-acid change (leucine 298 retained).
Molecular consequence: synonymous variant.
Genome position (GRCh38, 1-based): chr2:74,462,895, G>A on the plus strand (C>T on the coding strand, the complement: MOGS is on the minus strand). VCF-style: chr2-74462895-G-A. GRCh37 (hg19) VCF-style: chr2-74690022-G-A.
Other names: c.894C>T, p.Leu298= (LRG_1226t1); c.576C>T, p.Leu192= (NM_001146158.2).
Identifiers: ClinVar variation 506721 (VCV000506721.38), dbSNP rs146748462, ClinGen allele CA1724887.